The following is an entry in ClinVar:

ClinVar aggregate classification (germline): Conflicting classifications of pathogenicity. Review status: criteria provided, conflicting classifications (1 of 4 stars). 6 submissions from 6 submitters: Uncertain significance (5); Likely benign (1). Last evaluated 2026-03-12.

Conditions:
Inborn genetic diseases. Identifiers: MedGen C0950123, MeSH D030342.
Autosomal recessive Alport syndrome (ATS2). Also called: Alport syndrome type 2; COL4A4 Alport Syndrome and Thin Basement Membrane Nephropathy; COL4A3-Related Nephropathy; ALPORT SYNDROME 2, AUTOSOMAL RECESSIVE. Identifiers: Orphanet 63, Orphanet 88919, MedGen C4746745, MONDO:0008762, OMIM 203780.
Hematuria, benign familial, 1 (BFH1). Also called: THIN MEMBRANE NEPHROPATHY. Identifiers: MedGen CN376803, MONDO:0007709, OMIM 141200.
Alport syndrome. Also called: Hemorrhagic familial nephritis; Hemorrhagic hereditary nephritis; Congenital hereditary hematuria. Identifiers: Orphanet 63, MedGen C1567741, MONDO:0018965.

Allele frequency attached by ClinVar (database versions not stated): gnomAD 0.00003 and 0.00004; gnomAD exomes 0.00003 and 0.00004; TOPMed 0.00003; ExAC 0.00006.
gnomAD v4.1: 65 of 1,610,406 alleles (0.004%); highest among the groups gnomAD compares: Middle Eastern, 0.016%; no homozygotes.

Submissions (6):

GeneDx
Classification: Uncertain significance. Last evaluated: 2026-03-12. Review status: criteria provided, single submitter. Criteria: GeneDx Variant Classification Process June 2021. Collection method: clinical testing. Allele origin: germline.
Comment: In silico analysis supports that this missense variant has a deleterious effect on protein structure/function; Has not been previously published as pathogenic or benign to our knowledge; Occurs in the triple helical domain at the Y position in the canonical Gly-X-Y repeat; although this variant may have an effect on normal protein folding and function, missense substitution at the Y position is not a common mechanism of disease

Labcorp Genetics (formerly Invitae), Labcorp
Classification: Likely benign. Last evaluated: 2025-12-23. Review status: criteria provided, single submitter. Criteria: Invitae Variant Classification Sherloc (09022015). Collection method: clinical testing. Allele origin: germline.

Ambry Genetics
Classification: Uncertain significance for Inborn genetic diseases. Last evaluated: 2025-10-15. Review status: criteria provided, single submitter. Criteria: Ambry Variant Classification Scheme 2023. Collection method: clinical testing. Allele origin: germline.

Fulgent Genetics
Classification: Uncertain significance for Hematuria, benign familial, 1; Autosomal recessive Alport syndrome. Last evaluated: 2024-06-18. Review status: criteria provided, single submitter. Criteria: ACMG Guidelines, 2015. Collection method: clinical testing. Allele origin: germline.

Victorian Clinical Genetics Services, Murdoch Childrens Research Institute
Classification: Uncertain significance for Alport syndrome. Last evaluated: 2022-02-02. Review status: criteria provided, single submitter. Criteria: ACMG Guidelines, 2015. Collection method: clinical testing. Allele origin: germline. Affected: yes.
Comment: Based on the classification scheme VCGS_Germline_v1.3.4, this variant is classified as VUS-3B. Following criteria are met: 0102 - Loss of function is a known mechanism of disease for this gene and is associated with COL4A4-related nephropathy. Dominant negative is a suspected mechanism of disease for this gene as it is a structural protein (PMIDs: 12028435, 24046192). (I) 0108 - This gene is associated with both recessive and dominant disease. Alport syndrome typically has biallelic inheritance, although rare cases of monoallelic inheritance have been reported and has been associated with a milder phenotype and later onset (PMID: 28704582). TBMN and focal segmental glomerulosclerosis (FSGS) are associated with autosomal dominant inheritance (OMIM, PMIDs: 16467446, 17942953). (I) 0200 - Variant is predicted to result in a missense amino acid change from proline to leucine. (I) 0251 - This variant is heterozygous. (I) 0304 - Variant is present in gnomAD <0.01 (v2: 8 heterozygotes, 0 homozygotes). (SP) 0502 - Missense variant with conflicting in silico predictions and uninformative conservation. (I) 0600 - Variant is located in the annotated triple helix domain. Specifically, it is the X of the G-X-Y repeat (Uniprot, NCBI). (I) 0705 - No comparable missense variants have previous evidence for pathogenicity. (I) 0807 - This variant has no previous evidence of pathogenicity. (I) 0905 - No published segregation evidence has been identified for this variant. (I) 1007 - No published functional evidence has been identified for this variant. (I) 1208 - Inheritance information for this variant is not currently available in this individual. (I) Legend: (SP) - Supporting pathogenic, (I) - Information, (SB) - Supporting benign

Illumina Laboratory Services, Illumina
Classification: Uncertain significance for Alport syndrome. Last evaluated: 2018-01-13. Review status: criteria provided, single submitter. Criteria: ICSL Variant Classification Criteria 13 December 2019. Collection method: clinical testing. Allele origin: germline.

Literature cited by the submitters: PubMed 12028435 (cited by Victorian Clinical Genetics Services, Murdoch Childrens Research Institute); PubMed 16467446 (cited by Victorian Clinical Genetics Services, Murdoch Childrens Research Institute); PubMed 17942953 (cited by Victorian Clinical Genetics Services, Murdoch Childrens Research Institute); PubMed 24046192 (cited by Victorian Clinical Genetics Services, Murdoch Childrens Research Institute); PubMed 28704582 (cited by Victorian Clinical Genetics Services, Murdoch Childrens Research Institute).

NM_000092.5(COL4A4):c.2516C>T (p.Pro839Leu)

Gene: COL4A4 (collagen type IV alpha 4 chain; minus strand). Cytogenetic location: 2q36.3.
Variant type: single nucleotide variant.
Coding change: c.2516C>T on transcript NM_000092.5 (MANE Select); coding-DNA position 2516, C replaced by T.
Protein change: p.Pro839Leu; replaces proline 839 with leucine.
Molecular consequence: missense variant.
Genome position (GRCh38, 1-based): chr2:227,057,468, G>A on the plus strand (C>T on the coding strand, the complement: COL4A4 is on the minus strand). VCF-style: chr2-227057468-G-A. GRCh37 (hg19) VCF-style: chr2-227922184-G-A.
Other names: short protein forms P839L.
Identifiers: ClinVar variation 334717 (VCV000334717.15), dbSNP rs199562472, ClinGen allele CA2144794.